The following is an entry in ClinVar:

NM_024513.4(FYCO1):c.748C>T (p.Arg250Trp)

Gene: FYCO1 (FYVE and coiled-coil domain autophagy adaptor 1; minus strand). Cytogenetic location: 3p21.31.
Variant type: single nucleotide variant.
Coding change: c.748C>T on transcript NM_024513.4 (MANE Select); coding-DNA position 748, C replaced by T.
Protein change: p.Arg250Trp; replaces arginine 250 with tryptophan.
Molecular consequence: missense variant.
Genome position (GRCh38, 1-based): chr3:45,968,586, G>A on the plus strand (C>T on the coding strand, the complement: FYCO1 is on the minus strand). VCF-style: chr3-45968586-G-A. GRCh37 (hg19) VCF-style: chr3-46010078-G-A.
Other names: c.748C>T (NM_024513.2); short protein forms R250W.
Identifiers: ClinVar variation 345538 (VCV000345538.10), dbSNP rs142017802, ClinGen allele CA2353383.

ClinVar aggregate classification (germline): Uncertain significance. Review status: criteria provided, multiple submitters, no conflicts (2 of 4 stars). 3 submissions from 3 submitters: Uncertain significance (3). Last evaluated 2024-12-20.

Conditions:
Inborn genetic diseases. Identifiers: MedGen C0950123, MeSH D030342.
Cataract 18 (CATC2). Also called: CATARACT 18, AUTOSOMAL RECESSIVE. Identifiers: Orphanet 91492, Orphanet 98991, Orphanet 98992, Orphanet 98995, MedGen C1864908, MONDO:0012395, OMIM 610019.

Allele frequency attached by ClinVar (database versions not stated): 1000 Genomes Project 30x 0.00016; gnomAD 0.00016 and 0.00017; gnomAD exomes 0.00016 and 0.00024; TOPMed 0.00017; ExAC 0.00019; 1000 Genomes Project 0.00020; ESP Exome Variant Server 0.00046.

Submissions (3):

Ambry Genetics
Classification: Uncertain significance for Inborn genetic diseases. Last evaluated: 2024-12-20. Review status: criteria provided, single submitter. Criteria: Ambry Variant Classification Scheme 2023. Collection method: clinical testing. Allele origin: germline.

Labcorp Genetics (formerly Invitae), Labcorp
Classification: Uncertain significance for Cataract 18. Last evaluated: 2024-10-22. Review status: criteria provided, single submitter. Criteria: Invitae Variant Classification Sherloc (09022015). Collection method: clinical testing. Allele origin: germline.
Comment: This sequence change replaces arginine, which is basic and polar, with tryptophan, which is neutral and slightly polar, at codon 250 of the FYCO1 protein (p.Arg250Trp). This variant is present in population databases (rs142017802, gnomAD 0.03%). This variant has not been reported in the literature in individuals affected with FYCO1-related conditions. ClinVar contains an entry for this variant (Variation ID: 345538). An algorithm developed to predict the effect of missense changes on protein structure and function (PolyPhen-2) suggests that this variant is likely to be tolerated. In summary, the available evidence is currently insufficient to determine the role of this variant in disease. Therefore, it has been classified as a Variant of Uncertain Significance.

Illumina Laboratory Services, Illumina
Classification: Uncertain significance for Cataract 18. Last evaluated: 2018-01-13. Review status: criteria provided, single submitter. Criteria: ICSL Variant Classification Criteria 13 December 2019. Collection method: clinical testing. Allele origin: germline.